The following is an entry in ClinVar:

NM_002474.3(MYH11):c.301G>C (p.Val101Leu)

Gene: MYH11 (myosin heavy chain 11; minus strand). Cytogenetic location: 16p13.11.
Variant type: single nucleotide variant.
Coding change: c.301G>C on transcript NM_002474.3 (MANE Select); coding-DNA position 301, G replaced by C.
Protein change: p.Val101Leu; replaces valine 101 with leucine.
Molecular consequence: missense variant.
Genome position (GRCh38, 1-based): chr16:15,837,952, C>G on the plus strand (G>C on the coding strand, the complement: MYH11 is on the minus strand). VCF-style: chr16-15837952-C-G. GRCh37 (hg19) VCF-style: chr16-15931809-C-G.
Other names: c.301G>C, p.Val101Leu (NM_001040113.2, NM_001040114.2, NM_022844.3); short protein forms V101L.
Identifiers: ClinVar variation 3074225 (VCV003074225.1), dbSNP rs375159635, ClinGen allele CA395198231.

ClinVar aggregate classification (germline): Uncertain significance (1 of 4 stars; one submission).

Conditions:
Familial thoracic aortic aneurysm and aortic dissection (TAAD). Also called: Thoracic aortic aneurysms and dissections. Identifiers: Orphanet 91387, MedGen C4707243, MONDO:0019625.

gnomAD v4.1: 1 of 1,614,142 alleles (0.000062%); highest among the groups gnomAD compares: Non-Finnish European, 0.000085%; no homozygotes.

Submission:

All of Us Research Program, National Institutes of Health
Classification: Uncertain significance for Familial thoracic aortic aneurysm and aortic dissection. Last evaluated: 2023-11-02. Review status: criteria provided, single submitter. Criteria: ACMG Guidelines, 2015. Collection method: clinical testing. Allele origin: germline. Inheritance: Autosomal dominant inheritance. Observed: 1 variant allele, 1 heterozygote.
Comment: This missense variant replaces valine with leucine at codon 101 of the MYH11 protein. Computational prediction suggests that this variant may have deleterious impact on protein structure and function (internally defined REVEL score threshold >= 0.7, PMID: 27666373). To our knowledge, functional studies have not been reported for this variant. This variant has not been reported in individuals affected with MYH11-related disorders in the literature. This variant has not been identified in the general population by the Genome Aggregation Database (gnomAD). The available evidence is insufficient to determine the role of this variant in disease conclusively. Therefore, this variant is classified as a Variant of Uncertain Significance.

This study involves interpretation of variants in research participants for the purpose of population health screening. Participant phenotype was not available at the time of variant classification. Additional details can be found in publication PMID: 35346344, PMCID: PMC8962531